The following is an entry in ClinVar:

NM_025103.4(IFT74):c.1066C>G (p.Gln356Glu)

Gene: IFT74 (intraflagellar transport 74; plus strand). Cytogenetic location: 9p21.2.
Variant type: single nucleotide variant.
Coding change: c.1066C>G on transcript NM_025103.4 (MANE Select); coding-DNA position 1066, C replaced by G.
Protein change: p.Gln356Glu; replaces glutamine 356 with glutamic acid.
Molecular consequence: missense variant.
Genome position (GRCh38, 1-based): chr9:27,044,753, C>G. VCF-style: chr9-27044753-C-G. GRCh37 (hg19) VCF-style: chr9-27044751-C-G.
Other names: c.1066C>G, p.Gln356Glu (NM_001349928.2, NM_001099222.3, NM_001099223.3); c.1066C>G (NM_025103.2); short protein forms Q356E.
Identifiers: ClinVar variation 2177464 (VCV002177464.5), dbSNP rs752071673, ClinGen allele CA5015543.

ClinVar aggregate classification (germline): Uncertain significance. Review status: criteria provided, multiple submitters, no conflicts (2 of 4 stars). 2 submissions from 2 submitters: Uncertain significance (2). Last evaluated 2025-08-26.

Conditions:
IFT74-related disorder. Also called: IFT74-related condition; IFT74-Related Disorders.

Allele frequency attached by ClinVar (database versions not stated): gnomAD exomes below 0.00001; ExAC 0.00001; TOPMed 0.00002.
gnomAD v4.1: 1 of 1,566,190 alleles (0.000064%); highest among the groups gnomAD compares: Admixed American, 0.0018%; no homozygotes.

Submissions (2):

Labcorp Genetics (formerly Invitae), Labcorp
Classification: Uncertain significance. Last evaluated: 2025-08-26. Review status: criteria provided, single submitter. Criteria: Invitae Variant Classification Sherloc (09022015). Collection method: clinical testing. Allele origin: germline.
Comment: This sequence change replaces glutamine, which is neutral and polar, with glutamic acid, which is acidic and polar, at codon 356 of the IFT74 protein (p.Gln356Glu). This variant is not present in population databases (gnomAD no frequency). This variant has not been reported in the literature in individuals affected with IFT74-related conditions. ClinVar contains an entry for this variant (Variation ID: 2177464). An algorithm developed to predict the effect of missense changes on protein structure and function (PolyPhen-2) suggests that this variant is likely to be disruptive. In summary, the available evidence is currently insufficient to determine the role of this variant in disease. Therefore, it has been classified as a Variant of Uncertain Significance.

PreventionGenetics, part of Exact Sciences
Classification: Uncertain significance for IFT74-related condition. Last evaluated: 2025-01-29. Review status: criteria provided, single submitter. Criteria: ACMG Guidelines, 2015. Collection method: clinical testing. Allele origin: germline.
Comment: The IFT74 c.1066C>G variant is predicted to result in the amino acid substitution p.Gln356Glu. To our knowledge, this variant has not been reported in the literature. This variant is reported in 0.0% of alleles in individuals of African descent in gnomAD. At this time, the clinical significance of this variant is uncertain due to the absence of conclusive functional and genetic evidence.